The following is an entry in ClinVar:

ClinVar aggregate classification (germline): Uncertain significance (1 of 4 stars; one submission).

Submission:

Labcorp Genetics (formerly Invitae), Labcorp
Classification: Uncertain significance. Last evaluated: 2021-06-17. Review status: criteria provided, single submitter. Criteria: Invitae Variant Classification Sherloc (09022015). Collection method: clinical testing. Allele origin: germline.
Comment: This sequence change replaces glutamine with lysine at codon 12 of the TNNT3 protein (p.Gln12Lys). The glutamine residue is weakly conserved and there is a small physicochemical difference between glutamine and lysine. This variant is not present in population databases (ExAC no frequency). This variant has not been reported in the literature in individuals with TNNT3-related conditions. Algorithms developed to predict the effect of missense changes on protein structure and function are either unavailable or do not agree on the potential impact of this missense change (SIFT: "Tolerated"; PolyPhen-2: "Not Available"; Align-GVGD: "Class C0"). In summary, the available evidence is currently insufficient to determine the role of this variant in disease. Therefore, it has been classified as a Variant of Uncertain Significance.

NM_006757.4(TNNT3):c.34C>A (p.Gln12Lys)

Gene: TNNT3 (troponin T3, fast skeletal type; plus strand). Cytogenetic location: 11p15.5.
Variant type: single nucleotide variant.
Coding change: c.34C>A on transcript NM_006757.4 (MANE Select); coding-DNA position 34, C replaced by A.
Protein change: p.Gln12Lys; replaces glutamine 12 with lysine.
Molecular consequence: missense variant. On other transcripts: intron variant (3).
Genome position (GRCh38, 1-based): chr11:1,923,557, C>A. VCF-style: chr11-1923557-C-A. GRCh37 (hg19) VCF-style: chr11-1944787-C-A.
Other names: c.34C>A, p.Gln12Lys (NM_001042780.3, NM_001042781.3, NM_001042782.3 and 10 more transcripts); c.-99+666C>A (NM_001367851.1); c.31+496C>A (NM_001367849.1); c.-117+666C>A (NM_001367852.1); short protein forms Q12K.
Identifiers: ClinVar variation 1401500 (VCV001401500.8), dbSNP rs2133251074, ClinGen allele CA379093817.
Genomic context (GRCh38, chr11:1,923,557, plus strand): 5'-TCCCTTCACGGGCTGCCCCTTCTAACGTGGTTCCCCTCTTTGTTCTGTCCCAATGCAGAG[C>A]AGTACGAAGAAGAAGGTAATTCTGGCAACCACCGGAAGCCCCCCCAGCCCCTCCTTGGAA-3'
Protein context (NP_006748.1, residues 2-22): SDEEVEQVEE[Gln12Lys]YEEEEEAQEE